The following is an entry in ClinVar:

ClinVar aggregate classification (germline): Uncertain significance (1 of 4 stars; one submission).

Conditions:
Developmental and epileptic encephalopathy, 1 (DEE1). Also called: INFANTILE SPASM SYNDROME, X-LINKED 1; X-linked infantile spasms; West's syndrome; Tonic spasms with clustering, arrest of psychomotor development and hypsarrhythmia on EEG; X-Linked Infantile Spasm Syndrome; OHTAHARA SYNDROME, X-LINKED. Identifiers: MedGen C3463992, MONDO:0010632, OMIM 308350. Disease mechanism: loss of function.
Autosomal dominant nonsyndromic hearing loss 65. Also called: TBC1D24-Related Autosomal Dominant Nonsyndromic Hearing Loss (DFNA); Deafness, autosomal dominant 65. Identifiers: Orphanet 90635, MedGen C3892048, MONDO:0014470, OMIM 616044.

Submission:

Labcorp Genetics (formerly Invitae), Labcorp
Classification: Uncertain significance for Developmental and epileptic encephalopathy, 1; Autosomal dominant nonsyndromic hearing loss 65. Last evaluated: 2025-10-13. Review status: criteria provided, single submitter. Criteria: Invitae Variant Classification Sherloc (09022015). Collection method: clinical testing. Allele origin: germline.
Comment: This sequence change replaces serine, which is neutral and polar, with leucine, which is neutral and non-polar, at codon 324 of the TBC1D24 protein (p.Ser324Leu). This variant is not present in population databases (gnomAD no frequency). This variant has not been reported in the literature in individuals affected with TBC1D24-related conditions. ClinVar contains an entry for this variant (Variation ID: 943801). Invitae Evidence Modeling of protein sequence and biophysical properties (such as structural, functional, and spatial information, amino acid conservation, physicochemical variation, residue mobility, and thermodynamic stability) indicates that this missense variant is not expected to disrupt TBC1D24 protein function with a negative predictive value of 80%. In summary, the available evidence is currently insufficient to determine the role of this variant in disease. Therefore, it has been classified as a Variant of Uncertain Significance.

NM_001199107.2(TBC1D24):c.971C>T (p.Ser324Leu)

Gene: TBC1D24 (TBC1 domain family member 24; plus strand). Cytogenetic location: 16p13.3.
Variant type: single nucleotide variant.
Coding change: c.971C>T on transcript NM_001199107.2 (MANE Select); coding-DNA position 971, C replaced by T.
Protein change: p.Ser324Leu; replaces serine 324 with leucine.
Molecular consequence: missense variant. On other transcripts: intron variant (1).
Genome position (GRCh38, 1-based): chr16:2,497,715, C>T. VCF-style: chr16-2497715-C-T. GRCh37 (hg19) VCF-style: chr16-2547716-C-T.
Other names: c.966-523C>T (NM_020705.3); short protein forms S324L.
Identifiers: ClinVar variation 943801 (VCV000943801.10), dbSNP rs1567412736, ClinGen allele CA394378314.